The following is an entry in ClinVar:

ClinVar aggregate classification (germline): Uncertain significance. Review status: criteria provided, multiple submitters, no conflicts (2 of 4 stars). 2 submissions from 2 submitters: Uncertain significance (2). Last evaluated 2024-09-03.

Conditions:
Inborn genetic diseases. Identifiers: MedGen C0950123, MeSH D030342.

Allele frequency attached by ClinVar (database versions not stated): gnomAD exomes 0.00001 and 0.00002; TOPMed 0.00002; gnomAD 0.00003 and 0.00004; ExAC 0.00004.
gnomAD v4.1: 17 of 1,613,944 alleles (0.0011%); highest among the groups gnomAD compares: African/African-American, 0.0094%; no homozygotes.

Submissions (2):

Ambry Genetics
Classification: Uncertain significance for Inborn genetic diseases. Last evaluated: 2024-09-03. Review status: criteria provided, single submitter. Criteria: Ambry Variant Classification Scheme 2023. Collection method: clinical testing. Allele origin: germline.

Labcorp Genetics (formerly Invitae), Labcorp
Classification: Uncertain significance. Last evaluated: 2022-07-06. Review status: criteria provided, single submitter. Criteria: Invitae Variant Classification Sherloc (09022015). Collection method: clinical testing. Allele origin: germline.
Comment: This sequence change replaces valine, which is neutral and non-polar, with methionine, which is neutral and non-polar, at codon 211 of the PEX11B protein (p.Val211Met). This variant is present in population databases (rs782256144, gnomAD 0.02%). This variant has not been reported in the literature in individuals affected with PEX11B-related conditions. ClinVar contains an entry for this variant (Variation ID: 1352191). Algorithms developed to predict the effect of missense changes on protein structure and function are either unavailable or do not agree on the potential impact of this missense change (SIFT: "Deleterious"; PolyPhen-2: "Possibly Damaging"; Align-GVGD: "Class C0"). In summary, the available evidence is currently insufficient to determine the role of this variant in disease. Therefore, it has been classified as a Variant of Uncertain Significance.

NM_003846.3(PEX11B):c.631G>A (p.Val211Met)

Gene: PEX11B (peroxisomal biogenesis factor 11 beta; minus strand). Cytogenetic location: 1q21.1.
Variant type: single nucleotide variant.
Coding change: c.631G>A on transcript NM_003846.3 (MANE Select); coding-DNA position 631, G replaced by A.
Protein change: p.Val211Met; replaces valine 211 with methionine.
Molecular consequence: missense variant. On other transcripts: non-coding transcript variant (3).
Genome position (GRCh38, 1-based): chr1:145,912,310, C>T on the plus strand (G>A on the coding strand, the complement: PEX11B is on the minus strand). VCF-style: chr1-145912310-C-T. GRCh37 (hg19) VCF-style: chr1-145522770-G-A.
Other names: c.589G>A, p.Val197Met (NM_001184795.1); c.631G>A (NM_003846.2); short protein forms V197M, V211M.
Identifiers: ClinVar variation 1352191 (VCV001352191.6), dbSNP rs782256144, ClinGen allele CA1055642.
Genomic context (GRCh38, chr1:145,912,310, plus strand): 5'-CACAGCGCCAGAGGCCTAGTTTGTCCAGAGGAATGAAGAGATCACAGGCATTTCTGACCA[C>T]GTCTAGCAGAAGTGGGGGATGACCTCTAAGGACTCGAGCCAGGAGCAGGACTTGCAGCCG-3'
Protein context (NP_003837.1, residues 201-221): LRGHPPLLLD[Val211Met]VRNACDLFIP